The following is an entry in ClinVar:

ClinVar aggregate classification (germline): Likely pathogenic. Review status: criteria provided, multiple submitters, no conflicts (2 of 4 stars). 2 submissions from 2 submitters: Likely pathogenic (2). Last evaluated 2025-12-30.

Conditions:
Fanconi anemia complementation group I (FANCI). Also called: FANCI-Related Fanconi Anemia. Identifiers: Orphanet 84, MedGen C1836861, MONDO:0012186, OMIM 609053.
Fanconi anemia (FA). Also called: Fanconi's anemia. Identifiers: Orphanet 84, MedGen C0015625, MeSH D005199, MONDO:0019391.

Allele frequency attached by ClinVar (database versions not stated): TOPMed 0.00001.

Submissions (3):

Labcorp Genetics (formerly Invitae), Labcorp
Classification: Likely pathogenic for Fanconi anemia. Last evaluated: 2025-12-30. Review status: criteria provided, single submitter. Criteria: Invitae Variant Classification Sherloc (09022015). Collection method: clinical testing. Allele origin: germline.
Comment: This sequence change affects an acceptor splice site in intron 2 of the FANCI gene. It is expected to disrupt RNA splicing. Variants that disrupt the donor or acceptor splice site typically lead to a loss of protein function (PMID: 16199547), and loss-of-function variants in FANCI are known to be pathogenic (PMID: 17452773, 17460694). This variant is present in population databases (no rsID available, gnomAD no frequency). This variant has not been reported in the literature in individuals affected with FANCI-related conditions. ClinVar contains an entry for this variant (Variation ID: 2997488). Algorithms developed to predict the effect of sequence changes on RNA splicing suggest that this variant may disrupt the consensus splice site. In summary, the currently available evidence indicates that the variant is pathogenic, but additional data are needed to prove that conclusively. Therefore, this variant has been classified as Likely Pathogenic.

Baylor Genetics
Classification: Likely pathogenic for Fanconi anemia complementation group I. Last evaluated: 2023-11-08. Review status: criteria provided, single submitter. Criteria: ACMG Guidelines, 2015. Collection method: clinical testing. Allele origin: unknown.

Dr. Peter K. Rogan Lab, Western University
No classification provided (evidence only). Condition: Thyroid cancer, nonmedullary, 1. Review status: no classification provided. Collection method: in vitro. Allele origin: not applicable. Functional consequence: retained intron. Not counted in ClinVar's aggregate classification.

Literature cited by the submitters: PubMed 16199547 (cited by Labcorp Genetics (formerly Invitae), Labcorp); PubMed 17452773 (cited by Labcorp Genetics (formerly Invitae), Labcorp); PubMed 17460694 (cited by Labcorp Genetics (formerly Invitae), Labcorp).

NM_001113378.2(FANCI):c.85-1G>T

Gene: FANCI (FA complementation group I; plus strand). Cytogenetic location: 15q26.1.
Variant type: single nucleotide variant.
Coding change: c.85-1G>T on transcript NM_001113378.2 (MANE Select); the canonical splice acceptor site of the intron before coding-DNA position 85, G replaced by T.
Molecular consequence: splice acceptor variant.
Genome position (GRCh38, 1-based): chr15:89,258,703, G>T. VCF-style: chr15-89258703-G-T. GRCh37 (hg19) VCF-style: chr15-89801934-G-T.
Other names: c.85-1G>T (NM_018193.3, NM_001376911.1); c.-195-1G>T (NM_001376910.1).
Identifiers: ClinVar variation 2997488 (VCV002997488.5), dbSNP rs1195350202, ClinGen allele CA393737306.